The following is an entry in ClinVar:

NM_013275.6(ANKRD11):c.7324C>T (p.Leu2442=)

Gene: ANKRD11 (ankyrin repeat domain 11; minus strand). Cytogenetic location: 16q24.3.
Variant type: single nucleotide variant.
Coding change: c.7324C>T on transcript NM_013275.6 (MANE Select); coding-DNA position 7324, C replaced by T.
Protein change: p.Leu2442=; no amino-acid change (leucine 2442 retained).
Molecular consequence: synonymous variant.
Genome position (GRCh38, 1-based): chr16:89,279,218, G>A on the plus strand (C>T on the coding strand, the complement: ANKRD11 is on the minus strand). VCF-style: chr16-89279218-G-A. GRCh37 (hg19) VCF-style: chr16-89345626-G-A.
Other names: c.7324C>T, p.Leu2442= (NM_001256182.2, NM_001256183.2).
Identifiers: ClinVar variation 589080 (VCV000589080.14), dbSNP rs373934412, ClinGen allele CA8241256.

ClinVar aggregate classification (germline): Benign/Likely benign. Review status: criteria provided, multiple submitters, no conflicts (2 of 4 stars). 7 submissions from 7 submitters: Benign (3); Likely benign (4). Last evaluated 2026-06-01.

Conditions:
Inborn genetic diseases. Identifiers: MedGen C0950123, MeSH D030342.
ANKRD11-related disorder. Also called: ANKRD11-related condition.
KBG syndrome (KBGS). Also called: ANKRD11-Related KBG Syndrome. Identifiers: Orphanet 2332, MedGen C0220687, MONDO:0007846, OMIM 148050.

Allele frequency attached by ClinVar (database versions not stated): TOPMed 0.00006; ESP Exome Variant Server 0.00008; gnomAD 0.00009 and 0.00015; gnomAD exomes 0.00015 and 0.00033; ExAC 0.00037; 1000 Genomes Project 30x 0.00094; 1000 Genomes Project 0.00100.
gnomAD v4.1: 235 of 1,612,216 alleles (0.015%); highest among the groups gnomAD compares: South Asian, 0.21%; 7 homozygotes.

Submissions (7):

CeGaT Center for Human Genetics Tuebingen
Classification: Likely benign. Last evaluated: 2026-06-01. Review status: criteria provided, single submitter. Criteria: CeGaT Center For Human Genetics Tuebingen Variant Classification Criteria Version 2. Collection method: clinical testing. Allele origin: germline. Affected: yes. Observed: 1 variant allele.
Comment: ANKRD11: BP4, BP7, BS1

Labcorp Genetics (formerly Invitae), Labcorp
Classification: Benign for KBG syndrome. Last evaluated: 2025-09-05. Review status: criteria provided, single submitter. Criteria: Invitae Variant Classification Sherloc (09022015). Collection method: clinical testing. Allele origin: germline.

PreventionGenetics, part of Exact Sciences
Classification: Likely benign for ANKRD11-related condition. Last evaluated: 2025-06-09. Review status: criteria provided, single submitter. Criteria: ACMG Guidelines, 2015. Collection method: clinical testing. Allele origin: germline.
Comment: This variant is classified as likely benign based on ACMG/AMP sequence variant interpretation guidelines (Richards et al. 2015 PMID: 25741868, with internal and published modifications).

Blueprint Genetics
Classification: Likely benign. Last evaluated: 2024-06-19. Review status: criteria provided, single submitter. Criteria: ACMG Guidelines, 2015. Collection method: clinical testing. Allele origin: germline.

Genome-Nilou Lab
Classification: Benign for KBG syndrome. Last evaluated: 2021-12-05. Review status: criteria provided, single submitter. Criteria: ACMG Guidelines, 2015. Collection method: clinical testing. Allele origin: germline. Affected: no.

GeneDx
Classification: Benign. Last evaluated: 2020-02-04. Review status: criteria provided, single submitter. Criteria: GeneDx Variant Classification Process June 2021. Collection method: clinical testing. Allele origin: germline. Affected: yes.

Ambry Genetics
Classification: Likely benign for Inborn genetic diseases. Last evaluated: 2017-05-15. Review status: criteria provided, single submitter. Criteria: Ambry Variant Classification Scheme 2023. Collection method: clinical testing. Allele origin: germline.